The following is an entry in ClinVar:

NM_001384474.1(LOXHD1):c.6379AGGAAG[3] (p.2127RK[3])

Gene: LOXHD1 (lipoxygenase homology PLAT domains 1; minus strand). Cytogenetic location: 18q21.1.
Variant type: Microsatellite.
Coding change: c.6379AGGAAG[3] on transcript NM_001384474.1 (MANE Select); three copies in a row of the 6-base unit AGGAAG starting at c.6379; the reference has two copies in a row; one copy, 6 bases duplicated.
Protein change: p.2127RK[3].
Molecular consequence: inframe insertion.
Genome position (GRCh38, 1-based): chr18:46,477,904-46,477,909, CTTCCT duplicated on the plus strand (AGGAAG on the coding strand, the reverse complement: LOXHD1 is on the minus strand); duplicating any 6 consecutive bases within chr18:46,477,904-46,477,918 gives the same sequence; the position shown is the placement nearest the transcript's 3' end. VCF-style (leftmost placement, unchanged base first): chr18-46477903-A-ACTTCCT. GRCh37 (hg19) VCF-style: chr18-44057866-A-ACTTCCT.
Other names: p.Arg2067_Lys2068dup; c.3046AGGAAG[3], p.1016RK[3] (NM_001145472.3); c.1096AGGAAG[3], p.366RK[3] (NM_001145473.3, NM_001173129.2); c.2758AGGAAG[3], p.920RK[3] (NM_001308013.2); c.6193AGGAAG[3], p.2065RK[3] (NM_144612.7).
Identifiers: ClinVar variation 517634 (VCV000517634.4), dbSNP rs1555651404, ClinGen allele CA658799043.
Genomic context (GRCh38, chr18:46,477,903, plus strand): 5'-GGCTCTGGACCTTGCTGGCAAAGCTCTCTGTCGTCTTGGTAACCTCGAATACCTTGAAGT[A>ACTTCCT]CTTCCTCTTCCTCTTGAGGGGGATGAGGCAGTCACAGTTAAAGAAGTACCTGGCAGAGAG-3'

ClinVar aggregate classification (germline): Uncertain significance (1 of 4 stars; one submission).

Submission:

Laboratory for Molecular Medicine, Mass General Brigham Personalized Medicine
Classification: Uncertain significance. Last evaluated: 2017-12-05. Review status: criteria provided, single submitter. Criteria: LMM Criteria. Collection method: clinical testing. Allele origin: germline. Observed: 2 variant alleles.
Comment: The p.Arg2067_Lys2068dup variant in LOXHD1 has not been previously reported in i ndividuals with hearing loss or large population studies. This variant is a dupl ication of two amino acids that adds one more repeat to the existing two repeats of the two amino acid residues at the locus and is not predicted to alter the p rotein reading-frame. It is unclear if this duplication will impact the protein. In summary, the clinical significance of the p.Arg2067_Lys2068dup variant is un certain. ACMG/AMP Criteria applied: PM2, BP3 (Richards 2015).